The following is an entry in ClinVar:

NM_000548.5(TSC2):c.1268T>C (p.Leu423Pro)

Gene: TSC2 (TSC complex subunit 2; plus strand). Cytogenetic location: 16p13.3.
Variant type: single nucleotide variant.
Coding change: c.1268T>C on transcript NM_000548.5 (MANE Select); coding-DNA position 1268, T replaced by C.
Protein change: p.Leu423Pro; replaces leucine 423 with proline.
Molecular consequence: missense variant.
Genome position (GRCh38, 1-based): chr16:2,062,507, T>C. VCF-style: chr16-2062507-T-C. GRCh37 (hg19) VCF-style: chr16-2112508-T-C.
Other names: c.1268T>C, p.Leu423Pro (NM_001077183.3, NM_001114382.3, NM_001363528.2 and 6 more transcripts); c.1157T>C, p.Leu386Pro (NM_001318827.2, NM_001406670.1, NM_001406678.1); c.1121T>C, p.Leu374Pro (NM_001318829.2, NM_001406675.1, NM_001406676.1 and 1 more transcripts); c.668T>C, p.Leu223Pro (NM_001318831.2, NM_001406680.1, NM_001406682.1 and 6 more transcripts); c.1301T>C, p.Leu434Pro (NM_001318832.2); c.1358T>C, p.Leu453Pro (NM_001406667.1, NM_001406668.1); c.1256T>C, p.Leu419Pro (NM_001406671.1, NM_001406673.1); c.1211T>C, p.Leu404Pro (NM_001406677.1); and 3 more; short protein forms L453P, L374P, L419P, L423P, L434P, L223P, L386P, L404P.
Identifiers: ClinVar variation 1764666 (VCV001764666.7), dbSNP rs2548545163, ClinGen allele CA394321865.
Genomic context (GRCh38, chr16:2,062,507, plus strand): 5'-AGGAGAGCGCCGGAGGGGCAGAGGGGCAACACCGGCTCTTCTTTTGACAGGAGTCCTCCC[T>C]CCTGAACCTGATCTCCTATAGAGCGCAGTCCATCCACCCGGCCAAGGACGGCTGGATTCA-3'
Protein context (NP_000539.2, residues 413-433): RCADQRPESS[Leu423Pro]LNLISYRAQS

ClinVar aggregate classification (germline): Uncertain significance. Review status: criteria provided, multiple submitters, no conflicts (2 of 4 stars). 2 submissions from 2 submitters: Uncertain significance (2). Last evaluated 2025-10-02.

Conditions:
Tuberous sclerosis 2 (TSC2). Identifiers: Orphanet 805, MedGen C1860707, MONDO:0013199, OMIM 613254.
Hereditary cancer-predisposing syndrome. Also called: Neoplastic Syndromes, Hereditary; Tumor predisposition; Hereditary neoplastic syndrome; Hereditary Cancer Syndrome. Identifiers: Orphanet 140162, MedGen C0027672, MeSH D009386, MONDO:0015356.

Allele frequency attached by ClinVar (database versions not stated): gnomAD exomes below 0.00001.

Submissions (2):

Labcorp Genetics (formerly Invitae), Labcorp
Classification: Uncertain significance for Tuberous sclerosis 2. Last evaluated: 2025-10-02. Review status: criteria provided, single submitter. Criteria: Invitae Variant Classification Sherloc (09022015). Collection method: clinical testing. Allele origin: germline.
Comment: This sequence change replaces leucine, which is neutral and non-polar, with proline, which is neutral and non-polar, at codon 423 of the TSC2 protein (p.Leu423Pro). This variant is not present in population databases (gnomAD no frequency). This variant has not been reported in the literature in individuals affected with TSC2-related conditions. ClinVar contains an entry for this variant (Variation ID: 1764666). Invitae Evidence Modeling of protein sequence and biophysical properties (such as structural, functional, and spatial information, amino acid conservation, physicochemical variation, residue mobility, and thermodynamic stability) indicates that this missense variant is not expected to disrupt TSC2 protein function with a negative predictive value of 95%. In summary, the available evidence is currently insufficient to determine the role of this variant in disease. Therefore, it has been classified as a Variant of Uncertain Significance.

Ambry Genetics
Classification: Uncertain significance for Hereditary cancer-predisposing syndrome. Last evaluated: 2022-09-12. Review status: criteria provided, single submitter. Criteria: Ambry Variant Classification Scheme 2023. Collection method: clinical testing. Allele origin: germline.
Comment: The p.L423P variant (also known as c.1268T>C), located in coding exon 12 of the TSC2 gene, results from a T to C substitution at nucleotide position 1268. The leucine at codon 423 is replaced by proline, an amino acid with similar properties. This amino acid position is conserved. In addition, this alteration is predicted to be deleterious by in silico analysis. Since supporting evidence is limited at this time, the clinical significance of this alteration remains unclear.